The following is an entry in ClinVar:

ClinVar aggregate classification (germline): Uncertain significance. Review status: criteria provided, multiple submitters, no conflicts (2 of 4 stars). 2 submissions from 2 submitters: Uncertain significance (2). Last evaluated 2024-03-28.

Allele frequency attached by ClinVar (database versions not stated): gnomAD exomes below 0.00001 and 0.00001; ExAC 0.00001; TOPMed 0.00001; gnomAD 0.00002 and 0.00003.
gnomAD v4.1: 24 of 1,612,866 alleles (0.0015%); highest among the groups gnomAD compares: Admixed American, 0.0033%; no homozygotes.

Submissions (2):

Ambry Genetics
Classification: Uncertain significance. Last evaluated: 2024-03-28. Review status: criteria provided, single submitter. Criteria: Ambry Variant Classification Scheme 2023. Collection method: clinical testing. Allele origin: germline.

Labcorp Genetics (formerly Invitae), Labcorp
Classification: Uncertain significance. Last evaluated: 2021-06-10. Review status: criteria provided, single submitter. Criteria: Invitae Variant Classification Sherloc (09022015). Collection method: clinical testing. Allele origin: germline.
Comment: In summary, the available evidence is currently insufficient to determine the role of this variant in disease. Therefore, it has been classified as a Variant of Uncertain Significance. Algorithms developed to predict the effect of missense changes on protein structure and function (SIFT, PolyPhen-2, Align-GVGD) all suggest that this variant is likely to be tolerated, but these predictions have not been confirmed by published functional studies and their clinical significance is uncertain. This variant has not been reported in the literature in individuals with GLYCTK-related conditions. This variant is present in population databases (rs754906771, ExAC 0.002%). This sequence change replaces alanine with valine at codon 118 of the GLYCTK protein (p.Ala118Val). The alanine residue is moderately conserved and there is a small physicochemical difference between alanine and valine.

NM_145262.4(GLYCTK):c.353C>T (p.Ala118Val)

Gene: GLYCTK (glycerate kinase; plus strand). Cytogenetic location: 3p21.2.
Variant type: single nucleotide variant.
Coding change: c.353C>T on transcript NM_145262.4 (MANE Select); coding-DNA position 353, C replaced by T.
Protein change: p.Ala118Val; replaces alanine 118 with valine.
Molecular consequence: missense variant. On other transcripts: non-coding transcript variant (3).
Genome position (GRCh38, 1-based): chr3:52,290,695, C>T. VCF-style: chr3-52290695-C-T. GRCh37 (hg19) VCF-style: chr3-52324711-C-T.
Other names: c.353C>T, p.Ala118Val (NM_001144951.2); c.353C>T (NM_145262.3); short protein forms A118V.
Identifiers: ClinVar variation 1399020 (VCV001399020.9), dbSNP rs754906771, ClinGen allele CA2432036.